The following is an entry in ClinVar:

ClinVar aggregate classification (germline): Likely benign (1 of 4 stars; one submission).

Allele frequency attached by ClinVar (database versions not stated): gnomAD 0.00007; gnomAD exomes 0.00010; ESP Exome Variant Server 0.00015.
gnomAD v4.1: 154 of 1,612,650 alleles (0.0095%); highest among the groups gnomAD compares: Non-Finnish European, 0.012%; no homozygotes.

Submission:

CeGaT Center for Human Genetics Tuebingen
Classification: Likely benign. Last evaluated: 2023-07-01. Review status: criteria provided, single submitter. Criteria: CeGaT Center For Human Genetics Tuebingen Variant Classification Criteria Version 2. Collection method: clinical testing. Allele origin: germline. Affected: yes. Observed: 1 variant allele.
Comment: MAPK8IP3: BP4, BP7

NM_001318852.2(MAPK8IP3):c.3939C>T (p.Ser1313=)

Gene: MAPK8IP3 (mitogen-activated protein kinase 8 interacting protein 3; plus strand). Cytogenetic location: 16p13.3.
Variant type: single nucleotide variant.
Coding change: c.3939C>T on transcript NM_001318852.2 (MANE Select); coding-DNA position 3939, C replaced by T.
Protein change: p.Ser1313=; no amino-acid change (serine 1313 retained).
Molecular consequence: synonymous variant.
Genome position (GRCh38, 1-based): chr16:1,768,749, C>T. VCF-style: chr16-1768749-C-T. GRCh37 (hg19) VCF-style: chr16-1818750-C-T.
Other names: c.3918C>T, p.Ser1306= (NM_001040439.2); c.3936C>T, p.Ser1312= (NM_015133.5, NM_033392.3).
Identifiers: ClinVar variation 2578754 (VCV002578754.25), dbSNP rs371886772, ClinGen allele CA7817942.